The following is an entry in ClinVar:

ClinVar aggregate classification (germline): Uncertain significance. Review status: criteria provided, single submitter (1 of 4 stars). 2 submissions from 2 submitters: Uncertain significance (1). 1 of the submissions does not count toward it. Last evaluated 2022-09-27.

Conditions:
Mitochondrial complex I deficiency. Also called: NADH:Q(1) OXIDOREDUCTASE DEFICIENCY. Identifiers: Orphanet 2609, MedGen C1838979, MeSH C537475, MONDO:0100133.

Allele frequency attached by ClinVar (database versions not stated): gnomAD 0.00001; ExAC 0.00003; TOPMed 0.00004.
gnomAD v4.1: 13 of 1,614,138 alleles (0.00081%); highest among the groups gnomAD compares: Admixed American, 0.0033%; no homozygotes.

Submissions (2):

Labcorp Genetics (formerly Invitae), Labcorp
Classification: Uncertain significance. Last evaluated: 2022-09-27. Review status: criteria provided, single submitter. Criteria: Invitae Variant Classification Sherloc (09022015). Collection method: clinical testing. Allele origin: germline.
Comment: This sequence change replaces glutamine, which is neutral and polar, with arginine, which is basic and polar, at codon 118 of the NDUFS6 protein (p.Gln118Arg). This variant is present in population databases (rs748728259, gnomAD 0.003%). This variant has not been reported in the literature in individuals affected with NDUFS6-related conditions. ClinVar contains an entry for this variant (Variation ID: 990383). Algorithms developed to predict the effect of missense changes on protein structure and function (SIFT, PolyPhen-2, Align-GVGD) all suggest that this variant is likely to be tolerated. In summary, the available evidence is currently insufficient to determine the role of this variant in disease. Therefore, it has been classified as a Variant of Uncertain Significance.

Natera, Inc.
Classification: Uncertain significance for Mitochondrial complex I deficiency. Last evaluated: 2020-08-14. Review status: no assertion criteria provided. Collection method: clinical testing. Allele origin: germline. Not counted in ClinVar's aggregate classification.

NM_004553.6(NDUFS6):c.353A>G (p.Gln118Arg)

Gene: NDUFS6 (NADH:ubiquinone oxidoreductase subunit S6; plus strand). Cytogenetic location: 5p15.33.
Variant type: single nucleotide variant.
Coding change: c.353A>G on transcript NM_004553.6 (MANE Select); coding-DNA position 353, A replaced by G.
Protein change: p.Gln118Arg; replaces glutamine 118 with arginine.
Molecular consequence: missense variant.
Genome position (GRCh38, 1-based): chr5:1,815,894, A>G. VCF-style: chr5-1815894-A-G. GRCh37 (hg19) VCF-style: chr5-1816008-A-G.
Other names: short protein forms Q118R.
Identifiers: ClinVar variation 990383 (VCV000990383.3), dbSNP rs748728259, ClinGen allele CA3187725.